The following is an entry in ClinVar:

NM_002968.3(SALL1):c.3001A>G (p.Thr1001Ala)

Gene: SALL1 (spalt like transcription factor 1; minus strand). Cytogenetic location: 16q12.1.
Variant type: single nucleotide variant.
Coding change: c.3001A>G on transcript NM_002968.3 (MANE Select); coding-DNA position 3001, A replaced by G.
Protein change: p.Thr1001Ala; replaces threonine 1001 with alanine.
Molecular consequence: missense variant.
Genome position (GRCh38, 1-based): chr16:51,139,221, T>C on the plus strand (A>G on the coding strand, the complement: SALL1 is on the minus strand). VCF-style: chr16-51139221-T-C. GRCh37 (hg19) VCF-style: chr16-51173132-T-C.
Other names: c.2710A>G, p.Thr904Ala (NM_001127892.2); short protein forms T1001A, T904A.
Identifiers: ClinVar variation 4535351 (VCV004535351.6).

ClinVar aggregate classification (germline): Uncertain significance (1 of 4 stars; one submission).

Submission:

CeGaT Center for Human Genetics Tuebingen
Classification: Uncertain significance. Last evaluated: 2025-11-01. Review status: criteria provided, single submitter. Criteria: CeGaT Center For Human Genetics Tuebingen Variant Classification Criteria Version 2. Collection method: clinical testing. Allele origin: germline. Affected: yes. Observed: 1 variant allele.
Comment: SALL1: PM2